The following is an entry in ClinVar:

NM_000156.6(GAMT):c.570+1G>A

Gene: GAMT (guanidinoacetate N-methyltransferase; minus strand). Cytogenetic location: 19p13.3.
Variant type: single nucleotide variant.
Coding change: c.570+1G>A on transcript NM_000156.6 (MANE Select); the canonical splice donor site of the intron after coding-DNA position 570, G replaced by A.
Molecular consequence: splice donor variant. On other transcripts: missense variant (1).
Genome position (GRCh38, 1-based): chr19:1,398,915, C>T on the plus strand (G>A on the coding strand, the complement: GAMT is on the minus strand). VCF-style: chr19-1398915-C-T. GRCh37 (hg19) VCF-style: chr19-1398914-C-T.
Other names: c.571G>A, p.Val191Met (NM_138924.3); short protein forms V191M.
Identifiers: ClinVar variation 1392424 (VCV001392424.10), dbSNP rs2144636105, ClinGen allele CA402993948.
Genomic context (GRCh38, chr19:1,398,915, plus strand): 5'-CTTCCCACCCCCATCCAAGGTCACTTCCTGGAGACCCATGGGGAACTTCAGGTGGGCGCA[C>T]CTCAAACATGATGGTGATGTCTGAGTACTTGGACTTCATCAGCTCCCCCCAGGAGGTGAG-3'

ClinVar aggregate classification (germline): Conflicting classifications of pathogenicity. Review status: criteria provided, conflicting classifications (1 of 4 stars). 2 submissions from 2 submitters: Likely pathogenic (1); Uncertain significance (1). Last evaluated 2024-10-22.

Conditions:
Cerebral creatine deficiency syndrome. Also called: Creatine deficiency syndromes. Identifiers: Orphanet 79172, MedGen C5244016, MONDO:0000456.
Deficiency of guanidinoacetate methyltransferase (CCDS2). Also called: GAMT DEFICIENCY; CEREBRAL CREATINE DEFICIENCY SYNDROME 2; Guanidinoacetate Methyltransferase (GAMT) Deficiency. Identifiers: Orphanet 382, MedGen C0574080, MONDO:0012999, OMIM 612736.

Submissions (2):

Labcorp Genetics (formerly Invitae), Labcorp
Classification: Uncertain significance for Cerebral creatine deficiency syndrome. Last evaluated: 2024-10-22. Review status: criteria provided, single submitter. Criteria: Invitae Variant Classification Sherloc (09022015). Collection method: clinical testing. Allele origin: germline.
Comment: This sequence change affects a donor splice site in intron 5 of the GAMT gene. While this variant is not anticipated to result in nonsense mediated decay, it likely alters RNA splicing and results in a disrupted protein product. This variant is not present in population databases (gnomAD no frequency). This variant has not been reported in the literature in individuals affected with GAMT-related conditions. ClinVar contains an entry for this variant (Variation ID: 1392424). Variants that disrupt the consensus splice site are a relatively common cause of aberrant splicing (PMID: 17576681, 9536098). Algorithms developed to predict the effect of sequence changes on RNA splicing suggest that this variant may disrupt the consensus splice site. In summary, the available evidence is currently insufficient to determine the role of this variant in disease. Therefore, it has been classified as a Variant of Uncertain Significance.

Department of Pathology and Laboratory Medicine, Sinai Health System
Classification: Likely pathogenic for Deficiency of guanidinoacetate methyltransferase. Last evaluated: 2023-01-10. Review status: criteria provided, single submitter. Criteria: ACMG Guidelines, 2015. Collection method: research. Allele origin: germline.

Literature cited by the submitters: PubMed 17576681 (cited by Labcorp Genetics (formerly Invitae), Labcorp); PubMed 9536098 (cited by Labcorp Genetics (formerly Invitae), Labcorp).